The following is an entry in ClinVar:

NM_007289.4(MME):c.1283T>G (p.Val428Gly)

Gene: MME (membrane metalloendopeptidase; plus strand). Cytogenetic location: 3q25.2.
Variant type: single nucleotide variant.
Coding change: c.1283T>G on transcript NM_007289.4 (MANE Select); coding-DNA position 1283, T replaced by G.
Protein change: p.Val428Gly; replaces valine 428 with glycine.
Molecular consequence: missense variant.
Genome position (GRCh38, 1-based): chr3:155,143,537, T>G. VCF-style: chr3-155143537-T-G. GRCh37 (hg19) VCF-style: chr3-154861326-T-G.
Other names: c.1283T>G, p.Val428Gly (NM_000902.5, NM_001354642.2, NM_001354643.1 and 2 more transcripts); short protein forms V428G.
Identifiers: ClinVar variation 3382292 (VCV003382292.2).

ClinVar aggregate classification (germline): Uncertain significance (1 of 4 stars; one submission).

Conditions:
Charcot-Marie-Tooth disease axonal type 2T. Identifiers: Orphanet 443950, MedGen C4015635, OMIM 617017, MONDO:0014866.
Spinocerebellar ataxia 43 (SCA43). Identifiers: Orphanet 497764, MedGen C4310763, MONDO:0014867, OMIM 617018.

Submission:

Juno Genomics, Hangzhou Juno Genomics, Inc
Classification: Uncertain significance for Spinocerebellar ataxia 43; Charcot-Marie-Tooth disease axonal type 2T. Review status: criteria provided, single submitter. Criteria: ACMG Guidelines, 2015. Collection method: clinical testing. Allele origin: germline. Affected: yes.
Comment: Absent from controls (or at extremely low frequency if recessive) in Genome Aggregation Database, Exome Sequencing Project, 1000 Genomes Project, or Exome Aggregation Consortium.;Multiple lines of computational evidence support a deleterious effect on the gene or gene product (conservation, evolutionary, splicing impact, etc).